The following is an entry in ClinVar:

ClinVar aggregate classification (germline): Uncertain significance (1 of 4 stars; one submission).

gnomAD v4.1: 4 of 1,612,914 alleles (0.00025%); highest among the groups gnomAD compares: East Asian, 0.0022%; no homozygotes.

Submission:

CeGaT Center for Human Genetics Tuebingen
Classification: Uncertain significance. Last evaluated: 2026-05-01. Review status: criteria provided, single submitter. Criteria: CeGaT Center For Human Genetics Tuebingen Variant Classification Criteria Version 2. Collection method: clinical testing. Allele origin: germline. Affected: yes. Observed: 1 variant allele.
Comment: LRRC7: PP2

NM_001370785.2(LRRC7):c.790A>G (p.Ile264Val)

Gene: LRRC7 (leucine rich repeat containing 7; plus strand). Cytogenetic location: 1p31.1.
Variant type: single nucleotide variant.
Coding change: c.790A>G on transcript NM_001370785.2 (MANE Select); coding-DNA position 790, A replaced by G.
Protein change: p.Ile264Val; replaces isoleucine 264 with valine.
Molecular consequence: missense variant.
Genome position (GRCh38, 1-based): chr1:69,986,245, A>G. VCF-style: chr1-69986245-A-G. GRCh37 (hg19) VCF-style: chr1-70451928-A-G.
Other names: c.691A>G, p.Ile231Val (NM_001330635.3, NM_001366839.3, NM_001366841.1); c.793A>G, p.Ile265Val (NM_001350216.3); c.790A>G, p.Ile264Val (NM_001366838.3); short protein forms I231V, I264V, I265V.
Identifiers: ClinVar variation 4874006 (VCV004874006.2).